The following is an entry in ClinVar:

ClinVar aggregate classification (germline): Uncertain significance. Review status: criteria provided, multiple submitters, no conflicts (2 of 4 stars). 2 submissions from 2 submitters: Uncertain significance (2). Last evaluated 2024-01-04.

Conditions:
Inborn genetic diseases. Identifiers: MedGen C0950123, MeSH D030342.

Allele frequency attached by ClinVar (database versions not stated): gnomAD 0.00001 and 0.00003; gnomAD exomes 0.00001; TOPMed 0.00011.
gnomAD v4.1: 10 of 1,608,518 alleles (0.00062%); highest among the groups gnomAD compares: Admixed American, 0.0083%; no homozygotes.

Submissions (2):

Ambry Genetics
Classification: Uncertain significance for Inborn genetic diseases. Last evaluated: 2024-01-04. Review status: criteria provided, single submitter. Criteria: Ambry Variant Classification Scheme 2023. Collection method: clinical testing. Allele origin: germline.

Labcorp Genetics (formerly Invitae), Labcorp
Classification: Uncertain significance. Last evaluated: 2022-05-19. Review status: criteria provided, single submitter. Criteria: Invitae Variant Classification Sherloc (09022015). Collection method: clinical testing. Allele origin: germline.
Comment: This sequence change replaces glycine, which is neutral and non-polar, with alanine, which is neutral and non-polar, at codon 70 of the SCO2 protein (p.Gly70Ala). This variant is present in population databases (no rsID available, gnomAD 0.007%). This variant has not been reported in the literature in individuals affected with SCO2-related conditions. Algorithms developed to predict the effect of missense changes on protein structure and function are either unavailable or do not agree on the potential impact of this missense change (SIFT: "Tolerated"; PolyPhen-2: "Probably Damaging"; Align-GVGD: "Class C0"). In summary, the available evidence is currently insufficient to determine the role of this variant in disease. Therefore, it has been classified as a Variant of Uncertain Significance.

NM_005138.3(SCO2):c.209G>C (p.Gly70Ala)

Genes: NCAPH2 (non-SMC condensin II complex subunit H2; plus strand), SCO2 (synthesis of cytochrome C oxidase 2; minus strand). Cytogenetic location: 22q13.33.
Variant type: single nucleotide variant.
Coding change: c.209G>C on transcript NM_005138.3 (MANE Select); coding-DNA position 209, G replaced by C.
Protein change: p.Gly70Ala; replaces glycine 70 with alanine.
Molecular consequence: missense variant. On other transcripts: 3 prime UTR variant (2).
Genome position (GRCh38, 1-based): chr22:50,524,203, C>G on the plus strand (G>C on the coding strand, the complement: SCO2 is on the minus strand). VCF-style: chr22-50524203-C-G. GRCh37 (hg19) VCF-style: chr22-50962632-C-G.
Other names: c.*828C>G (NM_001185011.2, NM_152299.4); c.209G>C, p.Gly70Ala (NM_001169109.2, NM_001169110.1, NM_001169111.2); short protein forms G70A.
Identifiers: ClinVar variation 1516382 (VCV001516382.6), dbSNP rs1282424848, ClinGen allele CA412193628.